The following is an entry in ClinVar:

ClinVar aggregate classification (germline): Uncertain significance (1 of 4 stars; one submission).

Allele frequency attached by ClinVar (database versions not stated): gnomAD exomes below 0.00001; ExAC 0.00001; gnomAD 0.00001; TOPMed 0.00001.
gnomAD v4.1: 3 of 1,612,782 alleles (0.00019%); highest among the groups gnomAD compares: African/African-American, 0.0041%; no homozygotes.

Submission:

Labcorp Genetics (formerly Invitae), Labcorp
Classification: Uncertain significance. Last evaluated: 2023-08-10. Review status: criteria provided, single submitter. Criteria: Invitae Variant Classification Sherloc (09022015). Collection method: clinical testing. Allele origin: germline.
Comment: Advanced modeling of protein sequence and biophysical properties (such as structural, functional, and spatial information, amino acid conservation, physicochemical variation, residue mobility, and thermodynamic stability) performed at Invitae indicates that this missense variant is not expected to disrupt GNMT protein function. In summary, the available evidence is currently insufficient to determine the role of this variant in disease. Therefore, it has been classified as a Variant of Uncertain Significance. ClinVar contains an entry for this variant (Variation ID: 1927299). This sequence change replaces glycine, which is neutral and non-polar, with aspartic acid, which is acidic and polar, at codon 237 of the GNMT protein (p.Gly237Asp). This variant is present in population databases (rs779697649, gnomAD 0.01%). This variant has not been reported in the literature in individuals affected with GNMT-related conditions.

NM_018960.6(GNMT):c.710G>A (p.Gly237Asp)

Genes: CNPY3-GNMT (CNPY3-GNMT readthrough; plus strand), GNMT (glycine N-methyltransferase; plus strand). Cytogenetic location: 6p21.1.
Variant type: single nucleotide variant.
Coding change: c.710G>A on transcript NM_018960.6 (MANE Select); coding-DNA position 710, G replaced by A.
Protein change: p.Gly237Asp; replaces glycine 237 with aspartic acid.
Molecular consequence: missense variant. On other transcripts: non-coding transcript variant (4).
Genome position (GRCh38, 1-based): chr6:42,963,443, G>A. VCF-style: chr6-42963443-G-A. GRCh37 (hg19) VCF-style: chr6-42931181-G-A.
Other names: c.512G>A, p.Gly171Asp (NM_001318856.2); c.527G>A, p.Gly176Asp (NM_001318857.2); c.419G>A, p.Gly140Asp (NM_001318858.2); c.653G>A, p.Gly218Asp (NM_001318865.2); short protein forms G237D, G176D, G140D, G171D, G218D.
Identifiers: ClinVar variation 1927299 (VCV001927299.5), dbSNP rs779697649, ClinGen allele CA3810783.